The following is an entry in ClinVar:

NM_000548.5(TSC2):c.2837+11dup

Gene: TSC2 (TSC complex subunit 2; plus strand). Cytogenetic location: 16p13.3.
Variant type: Duplication.
Coding change: c.2837+11dup on transcript NM_000548.5 (MANE Select); 11 bases into the intron after coding-DNA position 2837, one base duplicated (C; older notation c.2837+11dupC).
Molecular consequence: intron variant.
Genome position (GRCh38, 1-based): chr16:2,076,596, C duplicated. VCF-style (leftmost placement, unchanged base first): chr16-2076595-G-GC. GRCh37 (hg19) VCF-style: chr16-2126596-G-GC.
Other names: p.?; c.2837+11dupC (NM_000548.3, NM_000548.5); c.2837+11dup (NM_001114382.3, NM_021055.3, NM_001370405.1 and 3 more transcripts); c.2726+11dup (NM_001318827.2); c.2237+11dup (NM_001318831.2); c.2690+11dup (NM_001318829.2); c.2870+11dup (NM_001318832.2).
Identifiers: ClinVar variation 50135 (VCV000050135.13), dbSNP rs137854204, ClinGen allele CA018237.

ClinVar aggregate classification (germline): Benign/Likely benign. Review status: criteria provided, multiple submitters, no conflicts (2 of 4 stars). 7 submissions from 7 submitters: Benign (2); Likely benign (4). 1 of the submissions does not count toward it. Last evaluated 2026-01-29.

Conditions:
Lymphangiomyomatosis (LAM). Also called: Lymphangioleiomyomatosis; Lymphangioleiomyomatosis, somatic. Identifiers: Orphanet 538, MedGen C0751674, MONDO:0011705, OMIM 606690.
Tuberous sclerosis 2 (TSC2). Identifiers: Orphanet 805, MedGen C1860707, MONDO:0013199, OMIM 613254.
Isolated focal cortical dysplasia type II (FCORD2). Also called: CORTICAL DYSPLASIA OF TAYLOR; Focal cortical dysplasia type II. Identifiers: Orphanet 268994, MedGen C1846385, MONDO:0011818, OMIM 607341, HP:0032051.
Tuberous sclerosis syndrome (TSC). Also called: Tuberous Sclerosis Complex; Tuberous sclerosis. Identifiers: Orphanet 805, MedGen C0041341, MONDO:0001734.

Allele frequency attached by ClinVar (database versions not stated): TOPMed 0.00005; gnomAD exomes 0.00013 and 0.00020; ESP Exome Variant Server 0.00016; ExAC 0.00020; gnomAD 0.00020 and 0.00022.

Submissions (7):

Labcorp Genetics (formerly Invitae), Labcorp
Classification: Likely benign for Tuberous sclerosis 2. Last evaluated: 2026-01-29. Review status: criteria provided, single submitter. Criteria: Invitae Variant Classification Sherloc (09022015). Collection method: clinical testing. Allele origin: germline.

Women's Health and Genetics/Laboratory Corporation of America, LabCorp
Classification: Benign. Last evaluated: 2026-01-12. Review status: criteria provided, single submitter. Criteria: LabCorp Variant Classification Summary - May 2015. Collection method: clinical testing. Allele origin: germline.
Comment: Variant summary: TSC2 c.2837+11dupC alters a nucleotide located at a position not widely known to affect splicing. Consensus agreement among computation tools predict no significant impact on normal splicing. However, these predictions have yet to be confirmed by functional studies. The variant allele was found at a frequency of 0.0002 in 249632 control chromosomes (gnomAD). The observed variant frequency exceeds the estimated maximal expected allele frequency for disease-causing variants in TSC2. To our knowledge, no occurrence of c.2837+11dupC in individuals affected with TSC2-related conditions and no experimental evidence demonstrating its impact on protein function have been reported. ClinVar contains an entry for this variant (Variation ID: 50135). Based on the evidence outlined above, the variant was classified as benign.

Athena Diagnostics
Classification: Benign. Last evaluated: 2025-09-02. Review status: criteria provided, single submitter. Criteria: Athena Diagnostics Criteria. Collection method: clinical testing. Allele origin: unknown.
Comment: The frequency of this variant in the general population is higher than would generally be expected for pathogenic variants in this gene. Computational tools yielded predictions that this variant is unlikely to have an effect on normal RNA splicing. This variant has been seen where an alternate explanation for disease was also identified.

Mayo Clinic Laboratories, Mayo Clinic
Classification: Likely benign. Last evaluated: 2025-04-28. Review status: criteria provided, single submitter. Criteria: ACMG Guidelines, 2015. Collection method: clinical testing. Allele origin: germline. Observed: 1 variant allele.
Comment: BP4, BP7

Blueprint Genetics
Classification: Likely benign. Last evaluated: 2024-08-01. Review status: criteria provided, single submitter. Criteria: ACMG Guidelines, 2015. Collection method: clinical testing. Allele origin: germline.

Fulgent Genetics
Classification: Likely benign for Lymphangiomyomatosis; Isolated focal cortical dysplasia type II; Tuberous sclerosis 2. Last evaluated: 2021-07-25. Review status: criteria provided, single submitter. Criteria: ACMG Guidelines, 2015. Collection method: clinical testing. Allele origin: unknown.

Tuberous sclerosis database (TSC2)
No classification provided. Condition: TSC. Review status: no classification provided. Criteria: Tuberous Sclerosis Database Assertion Criteria 2015. Collection method: curation. Allele origin: germline. Affected: yes. Not counted in ClinVar's aggregate classification.